The following is an entry in ClinVar:

ClinVar aggregate classification (germline): Uncertain significance (1 of 4 stars; one submission).

gnomAD v4.1: 2 of 1,613,126 alleles (0.00012%); highest among the groups gnomAD compares: African/African-American, 0.0013%; no homozygotes.

Submission:

Women's Health and Genetics/Laboratory Corporation of America, LabCorp
Classification: Uncertain significance. Last evaluated: 2026-04-13. Review status: criteria provided, single submitter. Criteria: LabCorp Variant Classification Summary - May 2015. Collection method: clinical testing. Allele origin: germline.
Comment: Variant summary: TTN c.77899G>A (p.Glu25967Lys) results in a conservative amino acid change in the encoded protein sequence. Algorithms developed to predict the effect of missense changes on protein structure and function are either unavailable or do not agree on the potential impact of this missense change. The variant allele was found at a frequency of 8.1e-06 in 247544 control chromosomes. The available data on variant occurrences in the general population are insufficient to allow any conclusion about variant significance. To our knowledge, no occurrence of c.77899G>A in individuals affected with TTN-related conditions and no experimental evidence demonstrating its impact on protein function have been reported. No submitters have cited clinical-significance assessments for this variant to ClinVar. Based on the evidence outlined above, the variant was classified as uncertain significance.

NM_001267550.2(TTN):c.85603G>A (p.Glu28535Lys)

Genes: TTN (titin; minus strand), TTN-AS1 (TTN antisense RNA 1; plus strand). Cytogenetic location: 2q31.2.
Variant type: single nucleotide variant.
Coding change: c.85603G>A on transcript NM_001267550.2 (MANE Select); coding-DNA position 85603, G replaced by A.
Protein change: p.Glu28535Lys; replaces glutamic acid 28535 with lysine.
Molecular consequence: missense variant.
Genome position (GRCh38, 1-based): chr2:178,560,529, C>T on the plus strand (G>A on the coding strand, the complement: TTN is on the minus strand). VCF-style: chr2-178560529-C-T. GRCh37 (hg19) VCF-style: chr2-179425256-C-T.
Other names: c.80680G>A, p.Glu26894Lys (NM_001256850.1); c.58408G>A, p.Glu19470Lys (NM_003319.4); c.77899G>A, p.Glu25967Lys (NM_133378.4); c.58783G>A, p.Glu19595Lys (NM_133432.3); c.58984G>A, p.Glu19662Lys (NM_133437.4); short protein forms E19470K, E19595K, E19662K, E25967K, E26894K, E28535K.
Identifiers: ClinVar variation 4848670 (VCV004848670.1).